The following continues an entry in ClinVar:

NM_000535.7(PMS2):c.11C>G (p.Ala4Gly)

Gene: PMS2. ClinVar aggregate classification (germline): Conflicting classifications of pathogenicity. Likely pathogenic (1); Uncertain significance (13).

Submissions 8 to 16 of 16:

GeneDx
Classification: Uncertain significance. Last evaluated: 2023-12-08. Review status: criteria provided, single submitter. Criteria: GeneDx Variant Classification Process June 2021. Collection method: clinical testing. Allele origin: germline. Affected: yes.
Comment: Observed in individuals with colon cancer which demonstrated normal immunohistochemistry or MLH1 hypermethylation, in unaffected controls, and in individual(s) with pancreatic cancer (PMID: 25479140, 28466842); In silico analysis supports a deleterious effect on splicing; In silico analysis supports that this missense variant does not alter protein structure/function; Located in the critical ATPase domain (PMID: 11574484); Not observed at significant frequency in large population cohorts (gnomAD); This variant is associated with the following publications: (PMID: 25479140, 28466842, 11574484, 32133419)

Color Diagnostics, LLC DBA Color Health
Classification: Uncertain significance for Hereditary cancer-predisposing syndrome. Last evaluated: 2023-08-09. Review status: criteria provided, single submitter. Criteria: ACMG Guidelines, 2015. Collection method: clinical testing. Allele origin: germline.
Comment: This missense variant replaces alanine with glycine at codon 4 of the PMS2 protein. Computational prediction tool suggests that this variant may not impact protein structure and function (internally defined REVEL score threshold <= 0.5, PMID: 27666373). Splice site prediction tools suggest that this variant may create an alternative splice donor site 13 basepair upstream of the reference splice donor site, which has been confirmed by an RNA study to affect some RNA transcripts (PMID: 32133419). The aberrant RNA transcript is expected to result in an absent or non-functional protein product. This variant has been reported in individuals affected with colorectal cancer (PMID: 28466842). One of the tumors was found to have normal PMS2 protein expression via immunohistochemistry analysis, and another had MLH1 and PMS2 loss but also demonstrated hypermethylated MLH1 promoter. This tumor data suggests that PMS2 expression is not significantly disrupted. This variant has also been reported in individuals affected with colorectal cancer or colon polyps (PMID: 31422818), pancreatic cancer (PMID: 25479140), prostate cancer (PMID: 32832836), and breast cancer (PMID: 32133419, 33471991), as well as healthy individuals (PMID: 33471991). This variant has been identified in 3/250258 chromosomes in the general population by the Genome Aggregation Database (gnomAD). While the experimental data suggest that the variant may impact RNA splicing, the available clinical evidence is insufficient to determine the role of this variant in disease conclusively. Therefore, this variant is classified as a Variant of Uncertain Significance.

Myriad Genetics, Inc.
Classification: Uncertain significance for Lynch syndrome 4. Last evaluated: 2023-04-04. Review status: criteria provided, single submitter. Criteria: Myriad Autosomal Dominant, Autosomal Recessive and X-Linked Classification Criteria (2023). Collection method: clinical testing. Allele origin: unknown.
Comment: This variant is classified as a variant of uncertain significance as there is insufficient evidence to determine its impact on protein function and/or cancer risk.

Mayo Clinic Laboratories, Mayo Clinic
Classification: Uncertain significance. Last evaluated: 2023-01-16. Review status: criteria provided, single submitter. Criteria: ACMG Guidelines, 2015. Collection method: clinical testing. Allele origin: germline. Observed: 1 variant allele.
Comment: PP3, PM2

Sema4
Classification: Uncertain significance for Hereditary cancer-predisposing syndrome. Last evaluated: 2021-07-27. Review status: criteria provided, single submitter. Criteria: Sema4 Curation Guidelines. Collection method: curation. Allele origin: germline.
Comment: The PMS2 c.11C>G (p.A4G) variant has been reported in individuals with breast cancer, pancreatic cancer, and colorectal cancer (PMID: 32133419, 25479140, 28466842, 33471991). A case-control study reported an odds ratio of 2.64 for developing colorectal cancer [0.62-11.2. p=0.19] (PMID: 28466842) while another study did not observe association of the variant with breast cancer (PMID: 33471991). The variant was observed in 3/250258 chromosomes in the large and broad cohorts of the Genome Aggregation Database (PMID: 32461654). The variant has been reported in ClinVar (Variation ID 232589). Functional studies have not been performed and in silico predictions of the variant's effect on protein function are inconclusive. However, in silico tools also suggest that the variant creates an exotic splice donor site, and an RNA study demonstrated this variant results in partial skipping of PMS2 exon 1 (PubMed 32133419). The evidence is insufficient to meet ACMG/AMP criteria for classifying the variant as benign or pathogenic. Thus, the clinical significance of this variant is currently uncertain.

Illumina Laboratory Services, Illumina
Classification: Uncertain significance for Lynch syndrome 4. Last evaluated: 2018-01-13. Review status: criteria provided, single submitter. Criteria: ICSL Variant Classification Criteria 13 December 2019. Collection method: clinical testing. Allele origin: germline.

Laboratory for Molecular Medicine, Mass General Brigham Personalized Medicine
Classification: Uncertain significance. Last evaluated: 2016-12-28. Review status: criteria provided, single submitter. Criteria: LMM Criteria. Collection method: clinical testing. Allele origin: germline. Observed: 1 variant allele.
Comment: The p.Ala4Gly variant in PMS2 has not been previously reported in individuals wi th colorectal cancer, but has been identified in 1/11544 Latino chromosomes by t he Exome Aggregation Consortium (ExAC; dbSNP rs7 45361721). While computational pathogenicity prediction tools and conservation a nalysis suggest that the p.Ala4Gly variant may not impact the protein, this vari ant is predicted to create a novel splice site. However, the accuracy of these tools is unknown and therefore this information is not predictive enough to dete rmine or rule out pathogenicity. In summary, the clinical significance of the p. Ala4Gly variant is uncertain.

Counsyl
Classification: Uncertain significance for Lynch syndrome 4. Last evaluated: 2017-04-19. Review status: no assertion criteria provided. Collection method: clinical testing. Allele origin: unknown. Not counted in ClinVar's aggregate classification.

Department of Pathology and Laboratory Medicine, Sinai Health System
Classification: Uncertain significance for Malignant tumor of breast. Review status: no assertion criteria provided. Collection method: clinical testing. Allele origin: unknown. Affected: yes. Study: The Canadian Open Genetics Repository (COGR). Not counted in ClinVar's aggregate classification.
Comment: The PMS2 p.Ala4Gly variant was identified in the literature with carrier frequency in Iceland of 0.04 and odds ratio for CRC of 2.64 (95%CI:0.62-11.2, Haraldsdottir 2017). The variant was also identified in dbSNP (ID: rs745361721) as "With Uncertain significance allele", ClinVar (classified as uncertain significance by Invitae, Ambry Genetics, GeneDx and three other submitters), and in Insight Hereditary Tumors database (1x). The variant was not identified in COGR, MutDB, Zhejiang University Database, or Mismatch Repair Genes Variant Database. The variant was identified in control databases in 3 of 245352 chromosomes at a frequency of 0.00001 (Genome Aggregation Database Feb 27, 2017). The variant was observed in the following populations: Latino in 1 of 33576 chromosomes (freq: 0.00003), European in 2 of 110948 chromosomes (freq: 0.00002), while the variant was not observed in the African, Other, Ashkenazi Jewish, East Asian, Finnish, or South Asian populations. The p.Ala4 residue is not conserved in mammals and computational analyses (PolyPhen-2, SIFT, AlignGVGD, BLOSUM, MutationTaster) do not suggest a high likelihood of impact to the protein; however, this information is not predictive enough to rule out pathogenicity. The variant occurs outside of the splicing consensus sequence and in silico or computational prediction software programs (SpliceSiteFinder, MaxEntScan, NNSPLICE, GeneSplicer) do not predict a difference in splicing. In summary, based on the above information the clinical significance of this variant cannot be determined with certainty at this time. This variant is classified as a variant of uncertain significance.

Literature cited by the submitters: PubMed 25479140 (cited by 8 submitters); PubMed 28466842 (cited by 7 submitters); PubMed 31422818 (cited by 4 submitters); PubMed 32832836 (cited by Ambry Genetics and Color Diagnostics, LLC DBA Color Health); PubMed 37937776 (cited by Labcorp Genetics (formerly Invitae), Labcorp); PubMed 32133419 (cited by 5 submitters); PubMed 33471991 (cited by 3 submitters); PubMed 31488816 (cited by Quest Diagnostics Nichols Institute San Juan Capistrano); PubMed 35884425 (cited by Quest Diagnostics Nichols Institute San Juan Capistrano).